The following is an entry in ClinVar:

NM_001326411.2(PISD):c.196C>G (p.Pro66Ala)

Gene: PISD (phosphatidylserine decarboxylase; minus strand). Cytogenetic location: 22q12.2.
Variant type: single nucleotide variant.
Coding change: c.196C>G on transcript NM_001326411.2 (MANE Select); coding-DNA position 196, C replaced by G.
Protein change: p.Pro66Ala; replaces proline 66 with alanine.
Molecular consequence: missense variant. On other transcripts: 5 prime UTR variant (6).
Genome position (GRCh38, 1-based): chr22:31,648,226, G>C on the plus strand (C>G on the coding strand, the complement: PISD is on the minus strand). VCF-style: chr22-31648226-G-C. GRCh37 (hg19) VCF-style: chr22-32044212-G-C.
Other names: c.196C>G, p.Pro66Ala (NM_001326412.1, NM_001326421.1); c.-34C>G (NM_001326413.2, NM_001326414.2); c.-327C>G (NM_001326415.2, NM_001326417.2, NM_001326419.2); c.-436C>G (NM_001326416.2); c.16C>G, p.Pro6Ala (NM_001326418.2, NM_001326420.2); short protein forms P6A, P66A.
Identifiers: ClinVar variation 2131993 (VCV002131993.4), dbSNP rs2523443317, ClinGen allele CA411295897.

ClinVar aggregate classification (germline): Uncertain significance (1 of 4 stars; one submission).

Submission:

Labcorp Genetics (formerly Invitae), Labcorp
Classification: Uncertain significance. Last evaluated: 2022-04-29. Review status: criteria provided, single submitter. Criteria: Invitae Variant Classification Sherloc (09022015). Collection method: clinical testing. Allele origin: germline.
Comment: Algorithms developed to predict the effect of missense changes on protein structure and function are either unavailable or do not agree on the potential impact of this missense change (SIFT: "Not Available"; PolyPhen-2: "Possibly Damaging"; Align-GVGD: "Not Available"). In summary, the available evidence is currently insufficient to determine the role of this variant in disease. Therefore, it has been classified as a Variant of Uncertain Significance. This variant has not been reported in the literature in individuals affected with PISD-related conditions. This variant is not present in population databases (gnomAD no frequency). This sequence change replaces proline, which is neutral and non-polar, with alanine, which is neutral and non-polar, at codon 66 of the PISD protein (p.Pro66Ala).